The following is an entry in ClinVar:

NM_000257.4(MYH7):c.4144C>A (p.Arg1382=)

Gene: MYH7 (myosin heavy chain 7; minus strand). Cytogenetic location: 14q11.2.
Variant type: single nucleotide variant.
Coding change: c.4144C>A on transcript NM_000257.4 (MANE Select); coding-DNA position 4144, C replaced by A.
Protein change: p.Arg1382=; no amino-acid change (arginine 1382 retained).
Molecular consequence: synonymous variant.
Genome position (GRCh38, 1-based): chr14:23,418,235, G>T on the plus strand (C>A on the coding strand, the complement: MYH7 is on the minus strand). VCF-style: chr14-23418235-G-T. GRCh37 (hg19) VCF-style: chr14-23887444-G-T.
Identifiers: ClinVar variation 1093056 (VCV001093056.11), dbSNP rs730880910, ClinGen allele CA257813695.

ClinVar aggregate classification (germline): Likely benign. Review status: criteria provided, multiple submitters, no conflicts (2 of 4 stars). 4 submissions from 4 submitters: Likely benign (3). 1 of the submissions does not count toward it. Last evaluated 2024-01-22.

Conditions:
MYH7-related disorder. Also called: MYH7-related condition; MYH7-related disease; MYH7-related disorders.
Hypertrophic cardiomyopathy. Also called: HYPERTROPHIC MYOCARDIOPATHY. Identifiers: Orphanet 217569, MedGen C0007194, MeSH D002312, MONDO:0005045, HP:0001639.
Cardiovascular phenotype. Identifiers: MedGen CN230736.
Cardiomyopathy (CMYO). Also called: Cardiomyopathies. Identifiers: Orphanet 167848, MedGen C0878544, MONDO:0004994, HP:0001638. Inheritance: Various modes of inheritance.

Submissions (4):

Ambry Genetics
Classification: Likely benign for Cardiovascular phenotype. Last evaluated: 2024-01-22. Review status: criteria provided, single submitter. Criteria: Ambry Variant Classification Scheme 2023. Collection method: clinical testing. Allele origin: germline.

Labcorp Genetics (formerly Invitae), Labcorp
Classification: Likely benign for Hypertrophic cardiomyopathy. Last evaluated: 2024-01-22. Review status: criteria provided, single submitter. Criteria: Invitae Variant Classification Sherloc (09022015). Collection method: clinical testing. Allele origin: germline.

Color Diagnostics, LLC DBA Color Health
Classification: Likely benign for Cardiomyopathy. Last evaluated: 2020-06-29. Review status: criteria provided, single submitter. Criteria: ACMG Guidelines, 2015. Collection method: clinical testing. Allele origin: germline.

PreventionGenetics, part of Exact Sciences
Classification: Likely benign for MYH7-related condition. Last evaluated: 2024-09-24. Review status: no assertion criteria provided. Collection method: clinical testing. Allele origin: germline. Not counted in ClinVar's aggregate classification.
Comment: This variant is classified as likely benign based on ACMG/AMP sequence variant interpretation guidelines (Richards et al. 2015 PMID: 25741868, with internal and published modifications).